The following is an entry in ClinVar:

ClinVar aggregate classification (germline): Likely benign. Review status: criteria provided, multiple submitters, no conflicts (2 of 4 stars). 3 submissions from 3 submitters: Likely benign (3). Last evaluated 2024-06-22.

Conditions:
Familial thoracic aortic aneurysm and aortic dissection (TAAD). Also called: Thoracic aortic aneurysms and dissections. Identifiers: Orphanet 91387, MedGen C4707243, MONDO:0019625.

Allele frequency attached by ClinVar (database versions not stated): gnomAD exomes below 0.00001; ExAC 0.00001; gnomAD 0.00001 and 0.00003; TOPMed 0.00002; 1000 Genomes Project 30x 0.00031; 1000 Genomes Project 0.00040.
gnomAD v4.1: 10 of 1,614,172 alleles (0.00062%); highest among the groups gnomAD compares: African/African-American, 0.0067%; no homozygotes.

Submissions (3):

Labcorp Genetics (formerly Invitae), Labcorp
Classification: Likely benign for Familial thoracic aortic aneurysm and aortic dissection. Last evaluated: 2024-06-22. Review status: criteria provided, single submitter. Criteria: Invitae Variant Classification Sherloc (09022015). Collection method: clinical testing. Allele origin: germline.

Ambry Genetics
Classification: Likely benign for Familial thoracic aortic aneurysm and aortic dissection. Last evaluated: 2024-06-18. Review status: criteria provided, single submitter. Criteria: Ambry Variant Classification Scheme 2023. Collection method: clinical testing. Allele origin: germline.

GeneDx
Classification: Likely benign. Last evaluated: 2018-02-12. Review status: criteria provided, single submitter. Criteria: GeneDx Variant Classification (06012015). Collection method: clinical testing. Allele origin: germline. Affected: yes.
Comment: This variant is considered likely benign or benign based on one or more of the following criteria: it is a conservative change, it occurs at a poorly conserved position in the protein, it is predicted to be benign by multiple in silico algorithms, and/or has population frequency not consistent with disease.

NM_003242.6(TGFBR2):c.1452C>T (p.Val484=)

Gene: TGFBR2 (transforming growth factor beta receptor 2; plus strand). Cytogenetic location: 3p24.1.
Variant type: single nucleotide variant.
Coding change: c.1452C>T on transcript NM_003242.6 (MANE Select); coding-DNA position 1452, C replaced by T.
Protein change: p.Val484=; no amino-acid change (valine 484 retained).
Molecular consequence: synonymous variant.
Genome position (GRCh38, 1-based): chr3:30,688,439, C>T. VCF-style: chr3-30688439-C-T. GRCh37 (hg19) VCF-style: chr3-30729931-C-T.
Other names: c.1527C>T, p.Val509= (NM_001024847.3); c.1635C>T, p.Val545= (NM_001407126.1); c.1560C>T, p.Val520= (NM_001407127.1); c.1479C>T, p.Val493= (NM_001407128.1); c.1455C>T, p.Val485= (NM_001407129.1); c.1449C>T, p.Val483= (NM_001407130.1); c.1347C>T, p.Val449= (NM_001407132.1, NM_001407133.1, NM_001407134.1 and 2 more transcripts); c.1167C>T, p.Val389= (NM_001407137.1); and 2 more.
Identifiers: ClinVar variation 515466 (VCV000515466.8), dbSNP rs185502982, ClinGen allele CA046602.